The following is an entry in ClinVar:

ClinVar aggregate classification (germline): Uncertain significance (1 of 4 stars; one submission).

Conditions:
LAMA2-related muscular dystrophy (LAMA2-RD). Also called: Laminin alpha 2-related dystrophy. Identifiers: MedGen C5679788, MONDO:0100228.

Submission:

Labcorp Genetics (formerly Invitae), Labcorp
Classification: Uncertain significance for LAMA2-related muscular dystrophy. Last evaluated: 2021-12-19. Review status: criteria provided, single submitter. Criteria: Invitae Variant Classification Sherloc (09022015). Collection method: clinical testing. Allele origin: germline.
Comment: In summary, the available evidence is currently insufficient to determine the role of this variant in disease. Therefore, it has been classified as a Variant of Uncertain Significance. Algorithms developed to predict the effect of sequence changes on RNA splicing suggest that this variant may create or strengthen a splice site. Algorithms developed to predict the effect of missense changes on protein structure and function are either unavailable or do not agree on the potential impact of this missense change (SIFT: "Deleterious"; PolyPhen-2: "Probably Damaging"; Align-GVGD: "Class C0"). This variant has not been reported in the literature in individuals affected with LAMA2-related conditions. This variant is not present in population databases (gnomAD no frequency). This sequence change replaces cysteine, which is neutral and slightly polar, with tryptophan, which is neutral and slightly polar, at codon 2934 of the LAMA2 protein (p.Cys2934Trp).

NM_000426.4(LAMA2):c.8802T>G (p.Cys2934Trp)

Gene: LAMA2 (laminin subunit alpha 2; plus strand). Cytogenetic location: 6q22.33.
Variant type: single nucleotide variant.
Coding change: c.8802T>G on transcript NM_000426.4 (MANE Select); coding-DNA position 8802, T replaced by G.
Protein change: p.Cys2934Trp; replaces cysteine 2934 with tryptophan.
Molecular consequence: missense variant.
Genome position (GRCh38, 1-based): chr6:129,507,587, T>G. VCF-style: chr6-129507587-T-G. GRCh37 (hg19) VCF-style: chr6-129828732-T-G.
Other names: c.8790T>G, p.Cys2930Trp (NM_001079823.2); short protein forms C2934W, C2930W.
Identifiers: ClinVar variation 1354855 (VCV001354855.6), dbSNP rs2114911252, ClinGen allele CA365635644.